The following is an entry in ClinVar:

ClinVar aggregate classification (germline): Uncertain significance (1 of 4 stars; one submission).

Conditions:
TTN-related disorder. Also called: TTN-related disorders; TTN-related condition; TTN-related disease.

gnomAD v4.1: 1 of 1,607,320 alleles (0.000062%); highest among the groups gnomAD compares: Non-Finnish European, 0.000085%; no homozygotes.

Submission:

PreventionGenetics, part of Exact Sciences
Classification: Uncertain significance for TTN-related condition. Last evaluated: 2026-08-17. Review status: criteria provided, single submitter. Criteria: ACMG Guidelines, 2015. Collection method: clinical testing. Allele origin: germline.
Comment: The TTN c.84442G>A variant is predicted to result in the amino acid substitution p.Ala28148Thr. To our knowledge, this variant has not been reported in the literature or in a large population database (gnomAD), indicating this variant is rare. At this time, the clinical significance of this variant is uncertain due to the absence of conclusive functional and genetic evidence.

NM_001267550.2(TTN):c.84442G>A (p.Ala28148Thr)

Genes: TTN (titin; minus strand), TTN-AS1 (TTN antisense RNA 1; plus strand). Cytogenetic location: 2q31.2.
Variant type: single nucleotide variant.
Coding change: c.84442G>A on transcript NM_001267550.2 (MANE Select); coding-DNA position 84442, G replaced by A.
Protein change: p.Ala28148Thr; replaces alanine 28148 with threonine.
Molecular consequence: missense variant.
Genome position (GRCh38, 1-based): chr2:178,561,690, C>T on the plus strand (G>A on the coding strand, the complement: TTN is on the minus strand). VCF-style: chr2-178561690-C-T. GRCh37 (hg19) VCF-style: chr2-179426417-C-T.
Other names: c.79519G>A, p.Ala26507Thr (NM_001256850.1); c.57247G>A, p.Ala19083Thr (NM_003319.4); c.76738G>A, p.Ala25580Thr (NM_133378.4); c.57622G>A, p.Ala19208Thr (NM_133432.3); c.57823G>A, p.Ala19275Thr (NM_133437.4); short protein forms A25580T, A19083T, A19208T, A19275T, A26507T, A28148T.
Identifiers: ClinVar variation 4987551 (VCV004987551.1).
Genomic context (GRCh38, chr2:178,561,690, plus strand): 5'-TTGTGGCATGCACAACTTTAGGAGTACCAGGAGGACCTGGGGGACTGAATGGATACTCTG[C>T]AACAACAGCTGAAGATTCACTGTAGGAGCTCTTTCCATAGCGGTTTTCTGCACAAACACG-3'
Protein context (NP_001254479.2, residues 28138-28158): SSYSESSAVV[Ala28148Thr]EYPFSPPGPP